The following is an entry in ClinVar:

NM_004260.4(RECQL4):c.403T>C (p.Ser135Pro)

Gene: RECQL4 (RecQ like helicase 4; minus strand). Cytogenetic location: 8q24.3.
Variant type: single nucleotide variant.
Coding change: c.403T>C on transcript NM_004260.4 (MANE Select); coding-DNA position 403, T replaced by C.
Protein change: p.Ser135Pro; replaces serine 135 with proline.
Molecular consequence: missense variant.
Genome position (GRCh38, 1-based): chr8:144,516,716, A>G on the plus strand (T>C on the coding strand, the complement: RECQL4 is on the minus strand). VCF-style: chr8-144516716-A-G. GRCh37 (hg19) VCF-style: chr8-145742100-A-G.
Other names: c.403T>C (NM_004260.3); short protein forms S135P.
Identifiers: ClinVar variation 1415104 (VCV001415104.7), dbSNP rs2130729542, ClinGen allele CA372691613.

ClinVar aggregate classification (germline): Uncertain significance. Review status: criteria provided, multiple submitters, no conflicts (2 of 4 stars). 2 submissions from 2 submitters: Uncertain significance (2). Last evaluated 2026-05-14.

Conditions:
Inborn genetic diseases. Identifiers: MedGen C0950123, MeSH D030342.
Baller-Gerold syndrome (BGS). Also called: CRANIOSYNOSTOSIS WITH RADIAL DEFECTS. Identifiers: Orphanet 1225, MedGen C0265308, MONDO:0009039, OMIM 218600.

Submissions (2):

Ambry Genetics
Classification: Uncertain significance for Inborn genetic diseases. Last evaluated: 2026-05-14. Review status: criteria provided, single submitter. Criteria: Ambry Variant Classification Scheme 2023. Collection method: clinical testing. Allele origin: germline.
Comment: The p.S135P variant (also known as c.403T>C), located in coding exon 5 of the RECQL4 gene, results from a T to C substitution at nucleotide position 403. The serine at codon 135 is replaced by proline, an amino acid with similar properties. This amino acid position is conserved. In addition, this alteration is predicted to be tolerated by in silico analysis. Based on the available evidence, the clinical significance of this variant remains unclear.

Labcorp Genetics (formerly Invitae), Labcorp
Classification: Uncertain significance for Baller-Gerold syndrome. Last evaluated: 2025-07-30. Review status: criteria provided, single submitter. Criteria: Invitae Variant Classification Sherloc (09022015). Collection method: clinical testing. Allele origin: germline.
Comment: This sequence change replaces serine, which is neutral and polar, with proline, which is neutral and non-polar, at codon 135 of the RECQL4 protein (p.Ser135Pro). This variant is not present in population databases (gnomAD no frequency). This variant has not been reported in the literature in individuals affected with RECQL4-related conditions. ClinVar contains an entry for this variant (Variation ID: 1415104). Invitae Evidence Modeling of protein sequence and biophysical properties (such as structural, functional, and spatial information, amino acid conservation, physicochemical variation, residue mobility, and thermodynamic stability) indicates that this missense variant is not expected to disrupt RECQL4 protein function with a negative predictive value of 80%. In summary, the available evidence is currently insufficient to determine the role of this variant in disease. Therefore, it has been classified as a Variant of Uncertain Significance.